The following is an entry in ClinVar:

ClinVar aggregate classification (germline): Uncertain significance (1 of 4 stars; one submission).

Conditions:
Familial thoracic aortic aneurysm and aortic dissection (TAAD). Also called: Thoracic aortic aneurysms and dissections. Identifiers: Orphanet 91387, MedGen C4707243, MONDO:0019625.

Allele frequency attached by ClinVar (database versions not stated): gnomAD exomes below 0.00001; ExAC 0.00001.
gnomAD v4.1: 3 of 1,613,100 alleles (0.00019%); highest among the groups gnomAD compares: Non-Finnish European, 0.00025%; no homozygotes.

Submission:

Color Diagnostics, LLC DBA Color Health
Classification: Uncertain significance for Familial thoracic aortic aneurysm and aortic dissection. Last evaluated: 2024-07-08. Review status: criteria provided, single submitter. Criteria: ACMG Guidelines, 2015. Collection method: clinical testing. Allele origin: germline.
Comment: This variant is located in the 5' untranslated region of the MYH11 gene. To our knowledge, functional studies have not been reported for this variant. This variant has not been reported in individuals affected with MYH11-related disorders in the literature. This variant has been identified in 1/248764 chromosomes in the general population by the Genome Aggregation Database (gnomAD). The available evidence is insufficient to determine the role of this variant in disease conclusively. Therefore, this variant is classified as a Variant of Uncertain Significance.

NM_002474.3(MYH11):c.-14A>T

Gene: MYH11 (myosin heavy chain 11; minus strand). Cytogenetic location: 16p13.11.
Variant type: single nucleotide variant.
Coding change: c.-14A>T on transcript NM_002474.3 (MANE Select); 14 bases upstream of the start codon, A replaced by T.
Molecular consequence: 5 prime UTR variant.
Genome position (GRCh38, 1-based): chr16:15,838,266, T>A on the plus strand (A>T on the coding strand, the complement: MYH11 is on the minus strand). VCF-style: chr16-15838266-T-A. GRCh37 (hg19) VCF-style: chr16-15932123-T-A.
Other names: c.-14A>T (NM_001040113.2, NM_001040114.2, NM_022844.3).
Identifiers: ClinVar variation 920491 (VCV000920491.4), dbSNP rs1555459265, ClinGen allele CA7923139.